The following is an entry in ClinVar:

NM_001042702.5(PJVK):c.190_194del (p.Gly64fs)

Gene: PJVK (pejvakin; plus strand). Cytogenetic location: 2q31.2.
Variant type: Deletion.
Coding change: c.190_194del on transcript NM_001042702.5 (MANE Select); coding-DNA positions 190 to 194, 5 bases deleted (GGAGA; older notation c.190_194delGGAGA).
Protein change: p.Gly64fs; shifts the reading frame from glycine 64.
Molecular consequence: frameshift variant. On other transcripts: 5 prime UTR variant (2).
Genome position (GRCh38, 1-based): chr2:178,453,599-178,453,603, GGAGA deleted; deleting any 5 consecutive bases within chr2:178,453,598-178,453,603 gives the same sequence; the c. name uses the placement nearest the transcript's 3' end. VCF-style (leftmost placement, unchanged base first): chr2-178453597-TAGGAG-T. GRCh37 (hg19) VCF-style: chr2-179318324-TAGGAG-T.
Other names: c.199_203del, p.Gly67fs (NM_001353775.2); c.295_299del, p.Gly99fs (NM_001353776.2); c.-288_-284del (NM_001353777.1, NM_001353778.2); c.190_194del, p.Gly64fs (NM_001369912.1); short protein forms G64fs, G67fs, G99fs.
Identifiers: ClinVar variation 2831368 (VCV002831368.3), dbSNP rs2468705351, ClinGen allele CA2739271679.
Genomic context (GRCh38, chr2:178,453,597, plus strand): 5'-GCTTTCTGTTTCCTAGATATAAATTTACTTCAACACCTTTTACACTGAAAGATATTCTCC[TAGGAG>T]ACAGAGAAATTTCAGCTGGTAAGTTTAAATGTTTGGGAGTGCCAACTCATTCATCTGTAT-3'

ClinVar aggregate classification (germline): Pathogenic (1 of 4 stars; one submission).

Submission:

Labcorp Genetics (formerly Invitae), Labcorp
Classification: Pathogenic. Last evaluated: 2024-01-17. Review status: criteria provided, single submitter. Criteria: Invitae Variant Classification Sherloc (09022015). Collection method: clinical testing. Allele origin: germline.
Comment: This sequence change creates a premature translational stop signal (p.Gly64Glnfs*16) in the DFNB59 gene. It is expected to result in an absent or disrupted protein product. Loss-of-function variants in DFNB59 are known to be pathogenic (PMID: 17301963, 17718875). This variant is not present in population databases (gnomAD no frequency). This variant has not been reported in the literature in individuals affected with DFNB59-related conditions. For these reasons, this variant has been classified as Pathogenic.

Literature cited by the submitters: PubMed 17301963; PubMed 17718875.